The following is an entry in ClinVar:

NM_001165963.4(SCN1A):c.2929G>A (p.Val977Met)

Gene: SCN1A (sodium voltage-gated channel alpha subunit 1; minus strand). Cytogenetic location: 2q24.3.
Variant type: single nucleotide variant.
Coding change: c.2929G>A on transcript NM_001165963.4 (MANE Select); coding-DNA position 2929, G replaced by A.
Protein change: p.Val977Met; replaces valine 977 with methionine.
Molecular consequence: missense variant. On other transcripts: non-coding transcript variant (1).
Genome position (GRCh38, 1-based): chr2:166,037,793, C>T on the plus strand (G>A on the coding strand, the complement: SCN1A is on the minus strand). VCF-style: chr2-166037793-C-T. GRCh37 (hg19) VCF-style: chr2-166894303-C-T.
Other names: c.2845G>A, p.Val949Met (NM_001165964.3, NM_001353957.2, NM_001353958.2); c.2929G>A, p.Val977Met (NM_001202435.3, NM_001353948.2); c.2896G>A, p.Val966Met (NM_001353949.2, NM_001353950.2, NM_001353951.2 and 2 more transcripts); c.2893G>A, p.Val965Met (NM_001353954.2, NM_001353955.2); c.2842G>A, p.Val948Met (NM_001353960.2); c.487G>A, p.Val163Met (NM_001353961.2); short protein forms V966M, V977M, V163M, V949M, V965M, V948M.
Identifiers: ClinVar variation 189999 (VCV000189999.1), dbSNP rs794726828, ClinGen allele CA303515.

ClinVar aggregate classification (germline): Pathogenic (1 of 4 stars; one submission).

Conditions:
Severe myoclonic epilepsy in infancy (DRVT). Also called: Epileptic encephalopathy, early infantile, 6 (Dravet syndrome); SEVERE MYOCLONIC EPILEPSY OF INFANCY; DEVELOPMENTAL AND EPILEPTIC ENCEPHALOPATHY 6A; Severe Myoclonic Epilepsy in Infancy (SMEI); Dravet syndrome. Identifiers: Orphanet 33069, MedGen C0751122, MONDO:0100135, OMIM 607208.

Submission:

Center for Bioinformatics, Peking University
Classification: Pathogenic for Dravet syndrome. Last evaluated: 2014-12-20. Review status: criteria provided, single submitter. Criteria: Xu et al. (Hum Mutat. 2015). Collection method: research. Allele origin: inherited. Affected: yes. Observed: 2 variant alleles. Study: University Clinical Cooperation “985 Project” PKU-2014-1-1.
Comment: Dravet syndrome (DS) probands were recruited from the outpatient and inpatient child neurology units of Peking University First Hospital from 2005 till present. The study was approved by the Ethics Committee of Peking University First Hospital and the Institutional Review Board at Peking University. Participants or their parents provided written informed consent before enrollment. We collected a total of 267 mutations from 255 families with probands diagnosed with DS in China. All probands fulfilled the clinical diagnostic criteria.